The following is an entry in ClinVar:

NM_014874.4(MFN2):c.1574A>C (p.Asn525Thr)

Gene: MFN2 (mitofusin 2; plus strand). Cytogenetic location: 1p36.22.
Variant type: single nucleotide variant.
Coding change: c.1574A>C on transcript NM_014874.4 (MANE Select); coding-DNA position 1574, A replaced by C.
Protein change: p.Asn525Thr; replaces asparagine 525 with threonine.
Molecular consequence: missense variant.
Genome position (GRCh38, 1-based): chr1:12,005,789, A>C. VCF-style: chr1-12005789-A-C. GRCh37 (hg19) VCF-style: chr1-12065846-A-C.
Other names: c.1574A>C, p.Asn525Thr (NM_001127660.2); short protein forms N525T.
Identifiers: ClinVar variation 3656439 (VCV003656439.2).

ClinVar aggregate classification (germline): Uncertain significance (1 of 4 stars; one submission).

Conditions:
Charcot-Marie-Tooth disease type 2. Also called: Charcot-Marie-Tooth type 2. Identifiers: Orphanet 64746, MedGen C0270914, MONDO:0018993.

gnomAD v4.1: 1 of 1,614,010 alleles (0.000062%); highest among the groups gnomAD compares: Non-Finnish European, 0.000085%; no homozygotes.

Submission:

Labcorp Genetics (formerly Invitae), Labcorp
Classification: Uncertain significance for Charcot-Marie-Tooth disease type 2. Last evaluated: 2024-07-08. Review status: criteria provided, single submitter. Criteria: Invitae Variant Classification Sherloc (09022015). Collection method: clinical testing. Allele origin: germline.
Comment: This sequence change replaces asparagine, which is neutral and polar, with threonine, which is neutral and polar, at codon 525 of the MFN2 protein (p.Asn525Thr). This variant is not present in population databases (gnomAD no frequency). This variant has not been reported in the literature in individuals affected with MFN2-related conditions. Advanced modeling of protein sequence and biophysical properties (such as structural, functional, and spatial information, amino acid conservation, physicochemical variation, residue mobility, and thermodynamic stability) performed at Invitae indicates that this missense variant is not expected to disrupt MFN2 protein function with a negative predictive value of 95%. In summary, the available evidence is currently insufficient to determine the role of this variant in disease. Therefore, it has been classified as a Variant of Uncertain Significance.